The following is an entry in ClinVar:

NM_005802.5(TOPORS):c.2108A>G (p.Glu703Gly)

Gene: TOPORS (TOP1 binding arginine/serine rich protein, E3 ubiquitin ligase; minus strand). Cytogenetic location: 9p21.1.
Variant type: single nucleotide variant.
Coding change: c.2108A>G on transcript NM_005802.5 (MANE Select); coding-DNA position 2108, A replaced by G.
Protein change: p.Glu703Gly; replaces glutamic acid 703 with glycine.
Molecular consequence: missense variant.
Genome position (GRCh38, 1-based): chr9:32,542,417, T>C on the plus strand (A>G on the coding strand, the complement: TOPORS is on the minus strand). VCF-style: chr9-32542417-T-C. GRCh37 (hg19) VCF-style: chr9-32542415-T-C.
Other names: c.1913A>G, p.Glu638Gly (NM_001195622.2); short protein forms E638G, E703G.
Identifiers: ClinVar variation 1977058 (VCV001977058.6), dbSNP rs375575446, ClinGen allele CA192358630.
Genomic context (GRCh38, chr9:32,542,417, plus strand): 5'-CTCCTCCTGTAAGATGATTCGTACCCATCCCTGTCCTTGTTTCTACTGTAATAAGTATAC[T>C]CCCATTTGTATCTGCTTCCATAATTATTTCTTAAATAATAACGATCTCTATTTCTGCTCC-3'
Protein context (NP_005793.2, residues 693-713): RNNYGSRYKW[Glu703Gly]YTYYSRNKDR

ClinVar aggregate classification (germline): Uncertain significance. Review status: criteria provided, multiple submitters, no conflicts (2 of 4 stars). 2 submissions from 2 submitters: Uncertain significance (2). Last evaluated 2022-09-23.

Allele frequency attached by ClinVar (database versions not stated): TOPMed below 0.00001; ESP Exome Variant Server 0.00008.

Submissions (2):

Blueprint Genetics
Classification: Uncertain significance. Last evaluated: 2022-09-23. Review status: criteria provided, single submitter. Criteria: ACMG Guidelines, 2015. Collection method: clinical testing. Allele origin: germline.

Labcorp Genetics (formerly Invitae), Labcorp
Classification: Uncertain significance. Last evaluated: 2022-04-30. Review status: criteria provided, single submitter. Criteria: Invitae Variant Classification Sherloc (09022015). Collection method: clinical testing. Allele origin: germline.
Comment: This sequence change replaces glutamic acid, which is acidic and polar, with glycine, which is neutral and non-polar, at codon 703 of the TOPORS protein (p.Glu703Gly). In summary, the available evidence is currently insufficient to determine the role of this variant in disease. Therefore, it has been classified as a Variant of Uncertain Significance. Algorithms developed to predict the effect of missense changes on protein structure and function are either unavailable or do not agree on the potential impact of this missense change (SIFT: "Deleterious"; PolyPhen-2: "Not Available"; Align-GVGD: "Class C0"). This variant has not been reported in the literature in individuals affected with TOPORS-related conditions. This variant is not present in population databases (gnomAD no frequency).